The following is an entry in ClinVar:

NM_000051.4(ATM):c.7896C>T (p.Asn2632=)

Genes: ATM (ATM serine/threonine kinase; plus strand), C11orf65 (chromosome 11 open reading frame 65; minus strand). Cytogenetic location: 11q22.3.
Variant type: single nucleotide variant.
Coding change: c.7896C>T on transcript NM_000051.4 (MANE Select); coding-DNA position 7896, C replaced by T.
Protein change: p.Asn2632=; no amino-acid change (asparagine 2632 retained).
Molecular consequence: synonymous variant. On other transcripts: intron variant (2).
Genome position (GRCh38, 1-based): chr11:108,332,869, C>T. VCF-style: chr11-108332869-C-T. GRCh37 (hg19) VCF-style: chr11-108203596-C-T.
Other names: c.7896C>T, p.Asn2632= (NM_001351834.2); c.641-23798G>A (NM_001330368.2); c.*38+2351G>A (NM_001351110.2).
Identifiers: ClinVar variation 827315 (VCV000827315.9), dbSNP rs1591179036, ClinGen allele CA476677446.
Genomic context (GRCh38, chr11:108,332,869, plus strand): 5'-GAGACCTCAGATGGTCAGAAGTGTTGAGGCACTTTGTGATGCTTATATTATATTAGCAAA[C>T]TTAGATGCCACTCAGTGGAAGACTCAGAGAAGTATGTTTTTTTTAAAGAAGAAACGTTAC-3'
Protein context (NP_000042.3, residues 2622-2642): ALCDAYIILA[Asn2632=]LDATQWKTQR

ClinVar aggregate classification (germline): Benign/Likely benign. Review status: criteria provided, multiple submitters, no conflicts (2 of 4 stars). 3 submissions from 3 submitters: Benign (1); Likely benign (2). Last evaluated 2024-06-17.

Conditions:
Familial cancer of breast. Also called: Hereditary breast cancer; BREAST CANCER, FAMILIAL; hereditary breast carcinoma. Identifiers: Orphanet 227535, MedGen C0346153, MONDO:0016419, OMIM 114480. Disease mechanism: loss of function.
Hereditary cancer-predisposing syndrome. Also called: Tumor predisposition; Neoplastic Syndromes, Hereditary; Hereditary Cancer Syndrome; Hereditary neoplastic syndrome. Identifiers: Orphanet 140162, MedGen C0027672, MeSH D009386, MONDO:0015356.
Ataxia-telangiectasia syndrome (AT). Also called: ATAXIA-TELANGIECTASIA, COMPLEMENTATION GROUP A; ATAXIA-TELANGIECTASIA, FRESNO VARIANT; Ataxia-telangiectasia; Ataxia-telangiectasia, complementation group D; AT, COMPLEMENTATION GROUP C; Ataxia-telangiectasia, complementation group E. Identifiers: Orphanet 100, MedGen C0004135, MONDO:0008840, OMIM 208900.

gnomAD v4.1: 3 of 1,613,016 alleles (0.00019%); highest among the groups gnomAD compares: Non-Finnish European, 0.00025%; no homozygotes.

Submissions (3):

Myriad Genetics, Inc.
Classification: Benign for Familial cancer of breast. Last evaluated: 2024-06-17. Review status: criteria provided, single submitter. Criteria: Myriad Autosomal Dominant, Autosomal Recessive and X-Linked Classification Criteria (2023). Collection method: clinical testing. Allele origin: unknown.
Comment: This variant is considered benign. This variant is a silent/synonymous amino acid change and it is not expected to impact splicing.

Labcorp Genetics (formerly Invitae), Labcorp
Classification: Likely benign for Ataxia-telangiectasia syndrome. Last evaluated: 2024-05-19. Review status: criteria provided, single submitter. Criteria: Invitae Variant Classification Sherloc (09022015). Collection method: clinical testing. Allele origin: germline.

Ambry Genetics
Classification: Likely benign for Hereditary cancer-predisposing syndrome. Last evaluated: 2018-12-04. Review status: criteria provided, single submitter. Criteria: Ambry Variant Classification Scheme 2023. Collection method: clinical testing. Allele origin: germline.